The following is an entry in ClinVar:

NM_018297.4(NGLY1):c.1714A>G (p.Ser572Gly)

Gene: NGLY1 (N-glycanase 1; minus strand). Cytogenetic location: 3p24.2.
Variant type: single nucleotide variant.
Coding change: c.1714A>G on transcript NM_018297.4 (MANE Select); coding-DNA position 1714, A replaced by G.
Protein change: p.Ser572Gly; replaces serine 572 with glycine.
Molecular consequence: missense variant. On other transcripts: intron variant (1).
Genome position (GRCh38, 1-based): chr3:25,720,089, T>C on the plus strand (A>G on the coding strand, the complement: NGLY1 is on the minus strand). VCF-style: chr3-25720089-T-C. GRCh37 (hg19) VCF-style: chr3-25761580-T-C.
Other names: c.1588A>G, p.Ser530Gly (NM_001145294.2); c.1612-454A>G (NM_001145295.2); c.1660A>G, p.Ser554Gly (NM_001145293.2); short protein forms S530G, S554G, S572G.
Identifiers: ClinVar variation 1052485 (VCV001052485.3), dbSNP rs757626321, ClinGen allele CA2289090.

ClinVar aggregate classification (germline): Uncertain significance (1 of 4 stars; one submission).

Conditions:
Congenital disorder of deglycosylation (CDDG). Identifiers: MedGen C3808991, MONDO:0031376.

Allele frequency attached by ClinVar (database versions not stated): gnomAD 0.00001; TOPMed 0.00001; gnomAD exomes below 0.00001 and 0.00001; ExAC 0.00001.
gnomAD v4.1: 6 of 1,613,758 alleles (0.00037%); highest among the groups gnomAD compares: Non-Finnish European, 0.00051%; no homozygotes.

Submissions (2):

Labcorp Genetics (formerly Invitae), Labcorp
Classification: Uncertain significance for Congenital disorder of deglycosylation. Last evaluated: 2022-06-05. Review status: criteria provided, single submitter. Criteria: Invitae Variant Classification Sherloc (09022015). Collection method: clinical testing. Allele origin: germline.
Comment: This sequence change replaces serine, which is neutral and polar, with glycine, which is neutral and non-polar, at codon 572 of the NGLY1 protein (p.Ser572Gly). This variant is present in population databases (rs757626321, gnomAD 0.002%). This variant has not been reported in the literature in individuals affected with NGLY1-related conditions. ClinVar contains an entry for this variant (Variation ID: 1052485). Algorithms developed to predict the effect of missense changes on protein structure and function (SIFT, PolyPhen-2, Align-GVGD) all suggest that this variant is likely to be tolerated. Algorithms developed to predict the effect of sequence changes on RNA splicing suggest that this variant may disrupt the consensus splice site. In summary, the available evidence is currently insufficient to determine the role of this variant in disease. Therefore, it has been classified as a Variant of Uncertain Significance.

Dr. Peter K. Rogan Lab, Western University
No classification provided (evidence only). Condition: Lung cancer. Review status: no classification provided. Collection method: in vitro. Allele origin: not applicable. Functional consequence: skipped exon. Not counted in ClinVar's aggregate classification.